The following is an entry in ClinVar:

NM_017861.4(PIGX):c.733T>C (p.Leu245=)

Gene: PIGX (phosphatidylinositol glycan anchor biosynthesis class X; plus strand). Cytogenetic location: 3q29.
Variant type: single nucleotide variant.
Coding change: c.733T>C on transcript NM_017861.4 (MANE Select); coding-DNA position 733, T replaced by C.
Protein change: p.Leu245=; no amino-acid change (leucine 245 retained).
Molecular consequence: synonymous variant.
Genome position (GRCh38, 1-based): chr3:196,733,858, T>C. VCF-style: chr3-196733858-T-C. GRCh37 (hg19) VCF-style: chr3-196460729-T-C.
Other names: c.787T>C, p.Leu263= (NM_001166304.2).
Identifiers: ClinVar variation 2654512 (VCV002654512.24), dbSNP rs371955513, ClinGen allele CA2782425.

ClinVar aggregate classification (germline): Likely benign (1 of 4 stars; one submission).

Allele frequency attached by ClinVar (database versions not stated): ExAC 0.00003; gnomAD 0.00004; gnomAD exomes 0.00004; TOPMed 0.00004; ESP Exome Variant Server 0.00008.
gnomAD v4.1: 60 of 1,605,406 alleles (0.0037%); highest among the groups gnomAD compares: Admixed American, 0.0067%; no homozygotes.

Submission:

CeGaT Center for Human Genetics Tuebingen
Classification: Likely benign. Last evaluated: 2022-08-01. Review status: criteria provided, single submitter. Criteria: CeGaT Center For Human Genetics Tuebingen Variant Classification Criteria Version 2. Collection method: clinical testing. Allele origin: germline. Affected: yes. Observed: 1 variant allele.
Comment: PIGX: BP4, BP7